The following is an entry in ClinVar:

ClinVar aggregate classification (germline): Benign/Likely benign. Review status: criteria provided, multiple submitters, no conflicts (2 of 4 stars). 4 submissions from 4 submitters: Benign (3); Likely benign (1). Last evaluated 2026-02-04.

Conditions:
Severe combined immunodeficiency due to DNA-PKcs deficiency. Also called: IMMUNODEFICIENCY 26 WITH NEUROLOGIC ABNORMALITIES; Immunodeficiency 26 with or without neurologic abnormalities. Identifiers: Orphanet 317425, MedGen C4014833, MONDO:0014423, OMIM 615966.

Allele frequency attached by ClinVar (database versions not stated): gnomAD exomes 0.00141 and 0.00368; ExAC 0.00432; ESP Exome Variant Server 0.01377; gnomAD 0.01421 and 0.01542; 1000 Genomes Project 0.01577; TOPMed 0.01586; 1000 Genomes Project 30x 0.01749.
gnomAD v4.1: 4,277 of 1,612,030 alleles (0.27%); highest among the groups gnomAD compares: African/African-American, 5.1%; 93 homozygotes.

Submissions (7):

Labcorp Genetics (formerly Invitae), Labcorp
Classification: Benign for Severe combined immunodeficiency due to DNA-PKcs deficiency. Last evaluated: 2026-02-04. Review status: criteria provided, single submitter. Criteria: Invitae Variant Classification Sherloc (09022015). Collection method: clinical testing. Allele origin: germline.

Women's Health and Genetics/Laboratory Corporation of America, LabCorp
Classification: Likely benign. Last evaluated: 2026-01-22. Review status: criteria provided, single submitter. Criteria: LabCorp Variant Classification Summary - May 2015. Collection method: clinical testing. Allele origin: germline.

GeneDx
Classification: Benign. Last evaluated: 2016-05-16. Review status: criteria provided, single submitter. Criteria: GeneDx Variant Classification (06012015). Collection method: clinical testing. Allele origin: germline. Affected: yes.
Comment: This variant is considered likely benign or benign based on one or more of the following criteria: it is a conservative change, it occurs at a poorly conserved position in the protein, it is predicted to be benign by multiple in silico algorithms, and/or has population frequency not consistent with disease.

Breakthrough Genomics
Classification: Benign. Review status: criteria provided, single submitter. Criteria: ACMG Guidelines, 2015. Collection method: not provided. Allele origin: germline. Inheritance: Autosomal recessive inheritance. Affected: yes.

Dr. Peter K. Rogan Lab, Western University
No classification provided (evidence only). Condition: Acute myeloid leukemia. Review status: no classification provided. Collection method: in vitro. Allele origin: not applicable. Functional consequence: retained intron. Not counted in ClinVar's aggregate classification.

Dr. Peter K. Rogan Lab, Western University
No classification provided (evidence only). Condition: Thyroid cancer, nonmedullary, 1. Review status: no classification provided. Collection method: in vitro. Allele origin: not applicable. Functional consequence: retained intron. Not counted in ClinVar's aggregate classification.

Dr. Peter K. Rogan Lab, Western University
No classification provided (evidence only). Condition: Ovarian serous cystadenocarcinoma. Review status: no classification provided. Collection method: in vitro. Allele origin: not applicable. Functional consequence: retained intron. Not counted in ClinVar's aggregate classification.

NM_006904.7(PRKDC):c.3212A>G (p.Asn1071Ser)

Gene: PRKDC (protein kinase, DNA-activated, catalytic subunit; minus strand). Cytogenetic location: 8q11.21.
Variant type: single nucleotide variant.
Coding change: c.3212A>G on transcript NM_006904.7 (MANE Select); coding-DNA position 3212, A replaced by G.
Protein change: p.Asn1071Ser; replaces asparagine 1071 with serine.
Molecular consequence: missense variant.
Genome position (GRCh38, 1-based): chr8:47,902,626, T>C on the plus strand (A>G on the coding strand, the complement: PRKDC is on the minus strand). VCF-style: chr8-47902626-T-C. GRCh37 (hg19) VCF-style: chr8-48815186-T-C.
Other names: c.3212A>G, p.Asn1071Ser (NM_001081640.2); short protein forms N1071S.
Identifiers: ClinVar variation 385818 (VCV000385818.15), dbSNP rs8178070, ClinGen allele CA4741253.